The following is an entry in ClinVar:

ClinVar aggregate classification (germline): Uncertain significance. Review status: criteria provided, multiple submitters, no conflicts (2 of 4 stars). 3 submissions from 3 submitters: Uncertain significance (2). 1 of the submissions does not count toward it. Last evaluated 2024-11-13.

Conditions:
Inborn genetic diseases. Identifiers: MedGen C0950123, MeSH D030342.
Cobalamin C disease. Also called: methylmalonic aciduria and homocystinuria type cblC; Cobalamin-C methylmalonic acidemia and homocystinuria; Methylmalonic acidemia and homocystinuria cblC type; Methylmalonic aciduria and homocystinuria, Vitamin B12-responsive; Vitamin B12 metabolic defect with combined deficiency of methylmalonyl-CoA mutase and homocysteine:methyltetrahydrofolate methyltransferase; Methylmalonic aciduria with homocystinuria cblC type. Identifiers: Orphanet 26, Orphanet 79282, MedGen C1848561, MONDO:0010184, OMIM 277400.

Allele frequency attached by ClinVar (database versions not stated): gnomAD exomes below 0.00001.

Submissions (3):

Ambry Genetics
Classification: Uncertain significance for Inborn genetic diseases. Last evaluated: 2024-11-13. Review status: criteria provided, single submitter. Criteria: Ambry Variant Classification Scheme 2023. Collection method: clinical testing. Allele origin: germline.

GeneDx
Classification: Uncertain significance. Last evaluated: 2017-08-07. Review status: criteria provided, single submitter. Criteria: GeneDx Variant Classification (06012015). Collection method: clinical testing. Allele origin: germline. Affected: yes.
Comment: The D104V variant in the MMACHC gene has not been reported previously as a pathogenic variant, nor as a benign variant, to our knowledge. The D104V variant is not observed in large population cohorts (Lek et al., 2016; 1000 Genomes Consortium et al., 2015; Exome Variant Server). The D104V variant is a non-conservative amino acid substitution, which is likely to impact secondary protein structure as these residues differ in polarity, charge, size and/or other properties. This substitution occurs at a position that is conserved across species. In silico analysis predicts this variant is probably damaging to the protein structure/function. We interpret D104V as a variant of uncertain significance.

Natera, Inc.
Classification: Uncertain significance for Methylmalonic aciduria and homocystinuria cblC type. Last evaluated: 2020-10-21. Review status: no assertion criteria provided. Collection method: clinical testing. Allele origin: germline. Not counted in ClinVar's aggregate classification.

NM_015506.3(MMACHC):c.311A>T (p.Asp104Val)

Gene: MMACHC (metabolism of cobalamin associated C; plus strand). Cytogenetic location: 1p34.1.
Variant type: single nucleotide variant.
Coding change: c.311A>T on transcript NM_015506.3 (MANE Select); coding-DNA position 311, A replaced by T.
Protein change: p.Asp104Val; replaces aspartic acid 104 with valine.
Molecular consequence: missense variant.
Genome position (GRCh38, 1-based): chr1:45,508,246, A>T. VCF-style: chr1-45508246-A-T. GRCh37 (hg19) VCF-style: chr1-45973918-A-T.
Other names: c.140A>T, p.Asp47Val (NM_001330540.2); short protein forms D104V, D47V.
Identifiers: ClinVar variation 451076 (VCV000451076.4), dbSNP rs1553162829, ClinGen allele CA340132162.
Genomic context (GRCh38, chr1:45,508,246, plus strand): 5'-ACCCTCTATTTTGTCCACTGTTCCAGAGCCTCCCAGAGCTGCAGATAGAAATCATTGCTG[A>T]CTACGAGGTGCACCCCAACCGACGCCCCAAGATCCTGGCCCAGACAGCAGCCCATGTAGC-3'
Protein context (NP_056321.2, residues 94-114): LPELQIEIIA[Asp104Val]YEVHPNRRPK